The following is an entry in ClinVar:

NM_004168.4(SDHA):c.1114C>T (p.Pro372Ser)

Gene: SDHA (succinate dehydrogenase complex flavoprotein subunit A; plus strand). Cytogenetic location: 5p15.33.
Variant type: single nucleotide variant.
Coding change: c.1114C>T on transcript NM_004168.4 (MANE Select); coding-DNA position 1114, C replaced by T.
Protein change: p.Pro372Ser; replaces proline 372 with serine.
Molecular consequence: missense variant.
Genome position (GRCh38, 1-based): chr5:235,193, C>T. VCF-style: chr5-235193-C-T. GRCh37 (hg19) VCF-style: chr5-235308-C-T.
Other names: c.1114C>T (NM_004168.2); c.970C>T, p.Pro324Ser (NM_001294332.2); c.1114C>T, p.Pro372Ser (NM_001330758.2); short protein forms P324S, P372S.
Identifiers: ClinVar variation 2951499 (VCV002951499.4), dbSNP rs1364686808, ClinGen allele CA359013486.

ClinVar aggregate classification (germline): Uncertain significance. Review status: criteria provided, multiple submitters, no conflicts (2 of 4 stars). 2 submissions from 2 submitters: Uncertain significance (2). Last evaluated 2023-09-20.

Conditions:
Mitochondrial complex II deficiency, nuclear type 1. Also called: SUCCINATE CoQ REDUCTASE DEFICIENCY. Identifiers: Orphanet 3208, MedGen C5700310, MONDO:0100294, OMIM 252011.
Pheochromocytoma/paraganglioma syndrome 5. Also called: Paragangliomas 5; SDHA-Related Hereditary Paraganglioma-Pheochromocytoma Syndrome. Identifiers: Orphanet 29072, MedGen C3279992, MONDO:0013602, OMIM 614165.
Hereditary cancer-predisposing syndrome. Also called: Neoplastic Syndromes, Hereditary; Tumor predisposition; Hereditary Cancer Syndrome; Hereditary neoplastic syndrome. Identifiers: Orphanet 140162, MedGen C0027672, MeSH D009386, MONDO:0015356.

Submissions (2):

Ambry Genetics
Classification: Uncertain significance for Hereditary cancer-predisposing syndrome. Last evaluated: 2023-09-20. Review status: criteria provided, single submitter. Criteria: Ambry Variant Classification Scheme 2023. Collection method: clinical testing. Allele origin: germline.
Comment: The p.P372S variant (also known as c.1114C>T), located in coding exon 9 of the SDHA gene, results from a C to T substitution at nucleotide position 1114. The proline at codon 372 is replaced by serine, an amino acid with similar properties. This amino acid position is conserved. In addition, this alteration is predicted to be tolerated by in silico analysis. Since supporting evidence is limited at this time, the clinical significance of this alteration remains unclear.

Labcorp Genetics (formerly Invitae), Labcorp
Classification: Uncertain significance for Pheochromocytoma/paraganglioma syndrome 5; Mitochondrial complex II deficiency, nuclear type 1. Last evaluated: 2023-09-01. Review status: criteria provided, single submitter. Criteria: Invitae Variant Classification Sherloc (09022015). Collection method: clinical testing. Allele origin: germline.
Comment: This sequence change replaces proline, which is neutral and non-polar, with serine, which is neutral and polar, at codon 372 of the SDHA protein (p.Pro372Ser). This variant is present in population databases (no rsID available, gnomAD 0.0009%). This variant has not been reported in the literature in individuals affected with SDHA-related conditions. Advanced modeling of protein sequence and biophysical properties (such as structural, functional, and spatial information, amino acid conservation, physicochemical variation, residue mobility, and thermodynamic stability) performed at Invitae indicates that this missense variant is not expected to disrupt SDHA protein function. In summary, the available evidence is currently insufficient to determine the role of this variant in disease. Therefore, it has been classified as a Variant of Uncertain Significance.